The following is an entry in ClinVar:

NM_031407.7(HUWE1):c.99A>G (p.Gln33=)

Gene: HUWE1 (HECT, UBA and WWE domain containing E3 ubiquitin protein ligase 1; minus strand). Cytogenetic location: Xp11.22.
Variant type: single nucleotide variant.
Coding change: c.99A>G on transcript NM_031407.7 (MANE Select); coding-DNA position 99, A replaced by G.
Protein change: p.Gln33=; no amino-acid change (glutamine 33 retained).
Molecular consequence: synonymous variant.
Genome position (GRCh38, 1-based): chrX:53,648,257, T>C on the plus strand (A>G on the coding strand, the complement: HUWE1 is on the minus strand). VCF-style: chrX-53648257-T-C. GRCh37 (hg19) VCF-style: chrX-53675200-T-C.
Identifiers: ClinVar variation 129256 (VCV000129256.26), dbSNP rs61743595, ClinGen allele CA153137.

ClinVar aggregate classification (germline): Benign/Likely benign. Review status: criteria provided, multiple submitters, no conflicts (2 of 4 stars). 7 submissions from 7 submitters: Benign (2); Likely benign (3). 2 of the submissions do not count toward it. Last evaluated 2026-02-03.

Conditions:
HUWE1-related disorder. Also called: HUWE1-related condition.
Inborn genetic diseases. Identifiers: MedGen C0950123, MeSH D030342.
Intellectual developmental disorder, X-linked, syndromic, Turner type. Also called: Intellectual disability, X-linked syndromic, Turner type; X-linked intellectual disability, Turner type. Identifiers: Orphanet 3056, Orphanet 85328, MedGen C2678046, MONDO:0010407, OMIM 309590.

Allele frequency attached by ClinVar (database versions not stated): gnomAD exomes 0.00310; ExAC 0.00425; gnomAD 0.01099 and 0.01179; TOPMed 0.01249; 1000 Genomes Project 30x 0.01270; 1000 Genomes Project 0.01298; ESP Exome Variant Server 0.01524.
gnomAD v4.1: 2,534 of 1,203,259 alleles (0.21%); highest among the groups gnomAD compares: African/African-American, 4%; 42 homozygotes.

Submissions (7):

Labcorp Genetics (formerly Invitae), Labcorp
Classification: Benign. Last evaluated: 2026-02-03. Review status: criteria provided, single submitter. Criteria: Invitae Variant Classification Sherloc (09022015). Collection method: clinical testing. Allele origin: germline.

Fulgent Genetics
Classification: Likely benign for Intellectual developmental disorder, X-linked, syndromic, Turner type. Last evaluated: 2022-05-11. Review status: criteria provided, single submitter. Criteria: ACMG Guidelines, 2015. Collection method: clinical testing. Allele origin: unknown.

GeneDx
Classification: Likely benign. Last evaluated: 2021-02-23. Review status: criteria provided, single submitter. Criteria: GeneDx Variant Classification Process June 2021. Collection method: clinical testing. Allele origin: germline. Affected: yes.

Ambry Genetics
Classification: Benign for Inborn genetic diseases. Last evaluated: 2014-12-13. Review status: criteria provided, single submitter. Criteria: Ambry Variant Classification Scheme 2023. Collection method: clinical testing. Allele origin: germline.

Breakthrough Genomics
Classification: Likely benign. Review status: criteria provided, single submitter. Criteria: ACMG Guidelines, 2015. Collection method: not provided. Allele origin: germline. Inheritance: X-linked inheritance. Affected: yes.

PreventionGenetics, part of Exact Sciences
Classification: Benign for HUWE1-related condition. Last evaluated: 2020-04-14. Review status: no assertion criteria provided. Collection method: clinical testing. Allele origin: germline. Not counted in ClinVar's aggregate classification.
Comment: This variant is classified as benign based on ACMG/AMP sequence variant interpretation guidelines (Richards et al. 2015 PMID: 25741868, with internal and published modifications).

Genetic Services Laboratory, University of Chicago
Classification: Likely benign for AllHighlyPenetrant. Review status: no assertion criteria provided. Collection method: clinical testing. Allele origin: germline. Inheritance: X-linked inheritance. Not counted in ClinVar's aggregate classification.
Comment: Likely benign based on allele frequency in 1000 Genomes Project or ESP global frequency and its presence in a patient with a rare or unrelated disease phenotype. NOT Sanger confirmed.